The following is an entry in ClinVar:

ClinVar aggregate classification (germline): Conflicting classifications of pathogenicity. Review status: criteria provided, conflicting classifications (1 of 4 stars). 3 submissions from 3 submitters: Uncertain significance (2); Likely benign (1). Last evaluated 2024-09-25.

Allele frequency attached by ClinVar (database versions not stated): gnomAD 0.00001; ExAC 0.00002; gnomAD exomes 0.00004; ESP Exome Variant Server 0.00008; TOPMed 0.00002.
gnomAD v4.1: 41 of 1,613,338 alleles (0.0025%); highest among the groups gnomAD compares: Non-Finnish European, 0.0033%; no homozygotes.

Submissions (3):

Revvity Omics, Revvity
Classification: Uncertain significance. Last evaluated: 2024-09-25. Review status: criteria provided, single submitter. Criteria: ACMG Guidelines, 2015. Collection method: clinical testing. Allele origin: germline.

GeneDx
Classification: Likely benign. Last evaluated: 2017-08-22. Review status: criteria provided, single submitter. Criteria: GeneDx Variant Classification (06012015). Collection method: clinical testing. Allele origin: germline. Affected: yes.
Comment: This variant is considered likely benign or benign based on one or more of the following criteria: it is a conservative change, it occurs at a poorly conserved position in the protein, it is predicted to be benign by multiple in silico algorithms, and/or has population frequency not consistent with disease.

Laboratory for Molecular Medicine, Mass General Brigham Personalized Medicine
Classification: Uncertain significance. Last evaluated: 2014-07-11. Review status: criteria provided, single submitter. Criteria: LMM Criteria. Collection method: clinical testing. Allele origin: germline. Observed: 1 variant allele.
Comment: Variant classified as Uncertain Significance - Favor Benign. The Val1024Ile vari ant in TTN has not been previously reported in individuals with cardiomyopathy, but has been identified in 1/4406 of African American chromosomes by the NHLBI E xome Sequencing Project (dbSNP rs368770038). Valine (Val) at position 1024 is conserved in mammals, though several other spec ies (softshell turtle, spiny softshell turtle, tetradon, madaka, southern platyf ish, and zebrafish) have an isoleucine (Ile) at this position, raising the possi bility that this change may be tolerated. Additional computational prediction to ols do not provide strong support for or against an impact to the protein. In su mmary, while the clinical significance of the Val1024Ile variant is uncertain, t he presence of the variant amino acid in other species suggests that it is more likely to be benign.

NM_001267550.2(TTN):c.3070G>A (p.Val1024Ile)

Gene: TTN (titin; minus strand). Cytogenetic location: 2q31.2.
Variant type: single nucleotide variant.
Coding change: c.3070G>A on transcript NM_001267550.2 (MANE Select); coding-DNA position 3070, G replaced by A.
Protein change: p.Val1024Ile; replaces valine 1024 with isoleucine.
Molecular consequence: missense variant.
Genome position (GRCh38, 1-based): chr2:178,782,836, C>T on the plus strand (G>A on the coding strand, the complement: TTN is on the minus strand). VCF-style: chr2-178782836-C-T. GRCh37 (hg19) VCF-style: chr2-179647563-C-T.
Other names: c.3070G>A, p.Val1024Ile (NM_001256850.1, NM_133378.4, NM_133379.5); c.2932G>A, p.Val978Ile (NM_003319.4, NM_133432.3, NM_133437.4); short protein forms V1024I, V978I.
Identifiers: ClinVar variation 166331 (VCV000166331.7), dbSNP rs368770038, ClinGen allele CA179376.